The following is an entry in ClinVar:

NM_019014.6(POLR1B):c.1621C>T (p.Pro541Ser)

Gene: POLR1B (RNA polymerase I subunit B; plus strand). Cytogenetic location: 2q14.1.
Variant type: single nucleotide variant.
Coding change: c.1621C>T on transcript NM_019014.6 (MANE Select); coding-DNA position 1621, C replaced by T.
Protein change: p.Pro541Ser; replaces proline 541 with serine.
Molecular consequence: missense variant. On other transcripts: synonymous variant (1).
Genome position (GRCh38, 1-based): chr2:112,564,374, C>T. VCF-style: chr2-112564374-C-T. GRCh37 (hg19) VCF-style: chr2-113321951-C-T.
Other names: c.1453C>T, p.Pro485Ser (NM_001137604.3); c.1735C>T, p.Pro579Ser (NM_001282772.2); c.1167C>T, p.Leu389= (NM_001282774.2); c.988C>T, p.Pro330Ser (NM_001282776.2, NM_001371971.1); c.1204C>T, p.Pro402Ser (NM_001282777.2, NM_001282779.2, NM_001371970.1); c.1621C>T, p.Pro541Ser (NM_001371969.1); short protein forms P330S, P402S, P485S, P541S, P579S.
Identifiers: ClinVar variation 4689683 (VCV004689683.1).

ClinVar aggregate classification (germline): Uncertain significance (1 of 4 stars; one submission).

Submission:

Women's Health and Genetics/Laboratory Corporation of America, LabCorp
Classification: Uncertain significance. Last evaluated: 2026-01-02. Review status: criteria provided, single submitter. Criteria: LabCorp Variant Classification Summary - May 2015. Collection method: clinical testing. Allele origin: germline.
Comment: Variant summary: POLR1B c.1621C>T (p.Pro541Ser) results in a non-conservative amino acid change in the encoded protein sequence. Algorithms developed to predict the effect of missense changes on protein structure and function are either unavailable or do not agree on the potential impact of this missense change. The variant was absent in 250934 control chromosomes. The available data on variant occurrences in the general population are insufficient to allow any conclusion about variant significance. To our knowledge, no occurrence of c.1621C>T in individuals affected with POLR1B-related conditions and no experimental evidence demonstrating its impact on protein function have been reported. No submitters have cited clinical-significance assessments for this variant to ClinVar. Based on the evidence outlined above, the variant was classified as uncertain significance.